The following is an entry in ClinVar:

ClinVar aggregate classification (germline): Uncertain significance. Review status: criteria provided, multiple submitters, no conflicts (2 of 4 stars). 2 submissions from 2 submitters: Uncertain significance (2). Last evaluated 2025-08-13.

Conditions:
Inborn genetic diseases. Identifiers: MedGen C0950123, MeSH D030342.

Allele frequency attached by ClinVar (database versions not stated): ExAC 0.00005; ESP Exome Variant Server 0.00008; 1000 Genomes Project 30x 0.00016; TOPMed 0.00003; gnomAD 0.00004; 1000 Genomes Project 0.00020.
gnomAD v4.1: 49 of 1,612,618 alleles (0.003%); highest among the groups gnomAD compares: Middle Eastern, 0.049%; 1 homozygote.

Submissions (2):

GeneDx
Classification: Uncertain significance. Last evaluated: 2025-08-13. Review status: criteria provided, single submitter. Criteria: GeneDx Variant Classification Process June 2021. Collection method: clinical testing. Allele origin: germline. Affected: yes.
Comment: In silico analysis suggests that this missense variant does not alter protein structure/function; Has not been previously published as pathogenic or benign to our knowledge

Ambry Genetics
Classification: Uncertain significance for Inborn genetic diseases. Last evaluated: 2021-09-01. Review status: criteria provided, single submitter. Criteria: Ambry Variant Classification Scheme 2023. Collection method: clinical testing. Allele origin: germline.
Comment: Unlikely to be causative of autosomal dominant disease. Based on insufficient or conflicting evidence, the clinical significance of this alteration remains unclear.

NM_006618.5(KDM5B):c.2224T>C (p.Tyr742His)

Gene: KDM5B (lysine demethylase 5B; minus strand). Cytogenetic location: 1q32.1.
Variant type: single nucleotide variant.
Coding change: c.2224T>C on transcript NM_006618.5 (MANE Select); coding-DNA position 2224, T replaced by C.
Protein change: p.Tyr742His; replaces tyrosine 742 with histidine.
Molecular consequence: missense variant.
Genome position (GRCh38, 1-based): chr1:202,745,957, A>G on the plus strand (T>C on the coding strand, the complement: KDM5B is on the minus strand). VCF-style: chr1-202745957-A-G. GRCh37 (hg19) VCF-style: chr1-202715085-A-G.
Other names: c.2332T>C, p.Tyr778His (NM_001314042.2); c.2089T>C, p.Tyr697His (NM_001347591.2); c.2209T>C, p.Tyr737His (NM_001399817.1); short protein forms Y697H, Y778H, Y737H, Y742H.
Identifiers: ClinVar variation 2377064 (VCV002377064.3), dbSNP rs375398167, ClinGen allele CA1334493.